The following is an entry in ClinVar:

NM_000257.4(MYH7):c.5774G>A (p.Arg1925His)

Gene: MYH7 (myosin heavy chain 7; minus strand). Cytogenetic location: 14q11.2.
Variant type: single nucleotide variant.
Coding change: c.5774G>A on transcript NM_000257.4 (MANE Select); coding-DNA position 5774, G replaced by A.
Protein change: p.Arg1925His; replaces arginine 1925 with histidine.
Molecular consequence: missense variant.
Genome position (GRCh38, 1-based): chr14:23,413,775, C>T on the plus strand (G>A on the coding strand, the complement: MYH7 is on the minus strand). VCF-style: chr14-23413775-C-T. GRCh37 (hg19) VCF-style: chr14-23882984-C-T.
Other names: short protein forms R1925H.
Identifiers: ClinVar variation 407171 (VCV000407171.17), dbSNP rs752553589, ClinGen allele CA048213.

ClinVar aggregate classification (germline): Uncertain significance. Review status: criteria provided, multiple submitters, no conflicts (2 of 4 stars). 6 submissions from 6 submitters: Uncertain significance (6). Last evaluated 2025-11-11.

Conditions:
Congenital myopathy with fiber type disproportion. Also called: Congenital fiber-type disproportion; Congenital fiber-type disproportion myopathy. Identifiers: Orphanet 2020, MedGen C0546264, MONDO:0009711. Inheritance: all.
MYH7-related skeletal myopathy. Also called: Laing distal myopathy; Myopathy, distal, 1; Laing early-onset distal myopathy; MYOPATHY, DISTAL, EARLY-ONSET, AUTOSOMAL DOMINANT; MYOPATHY, LATE DISTAL HEREDITARY. Identifiers: Orphanet 59135, MedGen C4552004, MONDO:0008050, OMIM 160500.
Dilated cardiomyopathy 1S (CMD1S). Identifiers: Orphanet 154, Orphanet 54260, MedGen C1834481, MONDO:0013262, OMIM 613426.
Myosin storage myopathy (CMYO7A). Also called: MYOPATHY, HYALINE BODY, AUTOSOMAL DOMINANT; SCAPULOPERONEAL MUSCULAR DYSTROPHY; SCAPULOPERONEAL SYNDROME, MYOPATHIC TYPE; MYH7-related late-onset scapuloperoneal muscular dystrophy; MYOPATHY WITH LYSIS OF TYPE I MYOFIBRILS; Scapuloperoneal myopathy, MYH7-related. Identifiers: Orphanet 437572, Orphanet 636965, MedGen C1842160, MONDO:0008409, OMIM 608358.
Myopathy, myosin storage, autosomal recessive (CMYO7B). Also called: CONGENITAL MYOPATHY 7B, MYOSIN STORAGE, AUTOSOMAL RECESSIVE. Identifiers: Orphanet 636970, MedGen C1850709, MONDO:0009708, OMIM 255160.
Hypertrophic cardiomyopathy 1 (CMH1). Also called: MYH7-Related Familial Hypertrophic Cardiomyopathy; Familial hypertrophic cardiomyopathy 1. Identifiers: MedGen C3495498, MONDO:0008647, OMIM 192600.
Cardiovascular phenotype. Identifiers: MedGen CN230736.
Cardiomyopathy (CMYO). Also called: Cardiomyopathies. Identifiers: Orphanet 167848, MedGen C0878544, MONDO:0004994, HP:0001638. Inheritance: Various modes of inheritance.
Hypertrophic cardiomyopathy. Also called: HYPERTROPHIC MYOCARDIOPATHY. Identifiers: Orphanet 217569, MedGen C0007194, MeSH D002312, MONDO:0005045, HP:0001639.

Allele frequency attached by ClinVar (database versions not stated): ExAC 0.00001; gnomAD 0.00001; gnomAD exomes 0.00001; TOPMed 0.00001.
gnomAD v4.1: 21 of 1,614,082 alleles (0.0013%); highest among the groups gnomAD compares: South Asian, 0.0022%; no homozygotes.

Submissions (6):

Labcorp Genetics (formerly Invitae), Labcorp
Classification: Uncertain significance for Hypertrophic cardiomyopathy. Last evaluated: 2025-11-11. Review status: criteria provided, single submitter. Criteria: Invitae Variant Classification Sherloc (09022015). Collection method: clinical testing. Allele origin: germline.
Comment: This sequence change replaces arginine, which is basic and polar, with histidine, which is basic and polar, at codon 1925 of the MYH7 protein (p.Arg1925His). This variant is present in population databases (rs752553589, gnomAD 0.002%). This missense change has been observed in individual(s) with dilated cardiomyopathy (PMID: 32880476, 34194005). ClinVar contains an entry for this variant (Variation ID: 407171). Invitae Evidence Modeling of protein sequence and biophysical properties (such as structural, functional, and spatial information, amino acid conservation, physicochemical variation, residue mobility, and thermodynamic stability) indicates that this missense variant is expected to disrupt MYH7 protein function with a positive predictive value of 95%. This variant disrupts the p.Arg1925 amino acid residue in MYH7. Other variant(s) that disrupt this residue have been determined to be pathogenic (internal data). This suggests that this residue is clinically significant, and that variants that disrupt this residue are likely to be disease-causing. In summary, the available evidence is currently insufficient to determine the role of this variant in disease. Therefore, it has been classified as a Variant of Uncertain Significance.

All of Us Research Program, National Institutes of Health
Classification: Uncertain significance for Cardiomyopathy. Last evaluated: 2024-09-23. Review status: criteria provided, single submitter. Criteria: ACMG Guidelines, 2015. Collection method: clinical testing. Allele origin: germline. Inheritance: Autosomal dominant inheritance. Observed: 3 variant alleles, 3 heterozygotes.
Comment: This missense variant replaces arginine with histidine at codon 1925 of the MYH7 protein. Computational prediction tools indicate that this variant has a deleterious impact on protein structure and function. To our knowledge, functional studies have not been reported for this variant. This variant has been reported in one individual affected with dilated cardiomyopathy (PMID: 32880476, 34194005). This variant has been identified in 2/251300 chromosomes in the general population by the Genome Aggregation Database (gnomAD). The available evidence is insufficient to determine the role of this variant in disease conclusively. Therefore, this variant is classified as a Variant of Uncertain Significance.

This study involves interpretation of variants in research participants for the purpose of population health screening. Participant phenotype was not available at the time of variant classification. Additional details can be found in publication PMID: 35346344, PMCID: PMC8962531

Blueprint Genetics
Classification: Uncertain significance. Last evaluated: 2024-07-16. Review status: criteria provided, single submitter. Criteria: ACMG Guidelines, 2015. Collection method: clinical testing. Allele origin: germline.

Ambry Genetics
Classification: Uncertain significance for Cardiovascular phenotype. Last evaluated: 2024-07-03. Review status: criteria provided, single submitter. Criteria: Ambry Variant Classification Scheme 2023. Collection method: clinical testing. Allele origin: germline.
Comment: The p.R1925H variant (also known as c.5774G>A), located in coding exon 37 of the MYH7 gene, results from a G to A substitution at nucleotide position 5774. The arginine at codon 1925 is replaced by histidine, an amino acid with highly similar properties. This variant has been reported in a subject with dilated cardiomyopathy (DCM) (Verdonschot JAJ et al. Circ Genom Precis Med, 2020 Oct;13:476-487). This amino acid position is highly conserved in available vertebrate species. In addition, this alteration is predicted to be deleterious by in silico analysis. Based on the available evidence, the clinical significance of this variant remains unclear.

Color Diagnostics, LLC DBA Color Health
Classification: Uncertain significance for Cardiomyopathy. Last evaluated: 2024-01-31. Review status: criteria provided, single submitter. Criteria: ACMG Guidelines, 2015. Collection method: clinical testing. Allele origin: germline.
Comment: This missense variant replaces arginine with histidine at codon 1925 of the MYH7 protein. Computational prediction tools indicate that this variant has a deleterious impact on protein structure and function. To our knowledge, functional studies have not been reported for this variant. This variant has been reported in one individual affected with dilated cardiomyopathy (PMID: 32880476, 34194005). This variant has been identified in 2/251300 chromosomes in the general population by the Genome Aggregation Database (gnomAD). The available evidence is insufficient to determine the role of this variant in disease conclusively. Therefore, this variant is classified as a Variant of Uncertain Significance.

Fulgent Genetics
Classification: Uncertain significance for MYH7-related skeletal myopathy; Myosin storage myopathy; Hypertrophic cardiomyopathy 1; Myopathy, myosin storage, autosomal recessive; Congenital myopathy 4A, autosomal dominant; Dilated cardiomyopathy 1S. Last evaluated: 2021-08-17. Review status: criteria provided, single submitter. Criteria: ACMG Guidelines, 2015. Collection method: clinical testing. Allele origin: unknown.

Literature cited by the submitters: PubMed 32880476 (cited by 4 submitters); PubMed 34194005 (cited by 3 submitters).